The following is an entry in ClinVar:

ClinVar aggregate classification (germline): Pathogenic (1 of 4 stars; one submission).

Allele frequency attached by ClinVar (database versions not stated): gnomAD exomes below 0.00001.
gnomAD v4.1: 6 of 1,614,044 alleles (0.00037%); highest among the groups gnomAD compares: Non-Finnish European, 0.00051%; no homozygotes.

Submission:

Labcorp Genetics (formerly Invitae), Labcorp
Classification: Pathogenic. Last evaluated: 2022-07-12. Review status: criteria provided, single submitter. Criteria: Invitae Variant Classification Sherloc (09022015). Collection method: clinical testing. Allele origin: germline.
Comment: This variant has not been reported in the literature in individuals affected with TRAPPC9-related conditions. This variant is not present in population databases (gnomAD no frequency). This sequence change creates a premature translational stop signal (p.Trp1084*) in the TRAPPC9 gene. It is expected to result in an absent or disrupted protein product. Loss-of-function variants in TRAPPC9 are known to be pathogenic (PMID: 2000476, 20004763, 20004764). ClinVar contains an entry for this variant (Variation ID: 1452912). For these reasons, this variant has been classified as Pathogenic.

Literature cited by the submitters: PubMed 2000476; PubMed 20004763; PubMed 20004764.

NM_001160372.4(TRAPPC9):c.2957G>A (p.Trp986Ter)

Gene: TRAPPC9 (trafficking protein particle complex subunit 9; minus strand). Cytogenetic location: 8q24.3.
Variant type: single nucleotide variant.
Coding change: c.2957G>A on transcript NM_001160372.4 (MANE Select); coding-DNA position 2957, G replaced by A.
Protein change: p.Trp986Ter; replaces tryptophan 986 with a stop codon.
Molecular consequence: nonsense. On other transcripts: non-coding transcript variant (1).
Genome position (GRCh38, 1-based): chr8:139,910,154, C>T on the plus strand (G>A on the coding strand, the complement: TRAPPC9 is on the minus strand). VCF-style: chr8-139910154-C-T. GRCh37 (hg19) VCF-style: chr8-140922398-C-T.
Other names: c.2930G>A, p.Trp977Ter (NM_001321646.2); c.2978G>A, p.Trp993Ter (NM_001374682.1); c.2846G>A, p.Trp949Ter (NM_001374683.1); c.2813G>A, p.Trp938Ter (NM_001374684.1); c.2957G>A, p.Trp986Ter (NM_031466.8); short protein forms W938*, W986*, W993*, W949*, W977*.
Identifiers: ClinVar variation 1452912 (VCV001452912.6), dbSNP rs979340117, ClinGen allele CA187222563.